The following is an entry in ClinVar:

NM_000136.3(FANCC):c.1607T>C (p.Leu536Pro)

Genes: AOPEP (aminopeptidase O (putative); plus strand), FANCC (FA complementation group C; minus strand). Cytogenetic location: 9q22.32.
Variant type: single nucleotide variant.
Coding change: c.1607T>C on transcript NM_000136.3 (MANE Select); coding-DNA position 1607, T replaced by C.
Protein change: p.Leu536Pro; replaces leucine 536 with proline.
Molecular consequence: missense variant.
Genome position (GRCh38, 1-based): chr9:95,101,777, A>G on the plus strand (T>C on the coding strand, the complement: FANCC is on the minus strand). VCF-style: chr9-95101777-A-G. GRCh37 (hg19) VCF-style: chr9-97864059-A-G.
Other names: p.L536P:CTT>CCT; c.1607T>C, p.Leu536Pro (NM_001243743.2); short protein forms L536P.
Identifiers: ClinVar variation 127536 (VCV000127536.28), dbSNP rs587779903, ClinGen allele CA287199.

ClinVar aggregate classification (germline): Uncertain significance. Review status: criteria provided, multiple submitters, no conflicts (2 of 4 stars). 6 submissions from 6 submitters: Uncertain significance (4). 2 of the submissions do not count toward it. Last evaluated 2024-12-12.

Conditions:
Hereditary cancer-predisposing syndrome. Also called: Hereditary Cancer Syndrome; Hereditary neoplastic syndrome; Tumor predisposition; Neoplastic Syndromes, Hereditary. Identifiers: Orphanet 140162, MedGen C0027672, MeSH D009386, MONDO:0015356.
Fanconi anemia (FA). Also called: Fanconi's anemia. Identifiers: Orphanet 84, MedGen C0015625, MeSH D005199, MONDO:0019391.
Fanconi anemia complementation group C (FANCC). Also called: FANCONI PANCYTOPENIA, TYPE 3; FACC; FANCC-Related Fanconi Anemia; Fanconi anemia, group C. Identifiers: Orphanet 84, MedGen C3468041, MONDO:0009213, OMIM 227645.
Malignant tumor of breast. Also called: Malignant breast neoplasm; Cancer breast. Identifiers: MedGen C0006142, MONDO:0007254. Disease mechanism: loss of function.

Allele frequency attached by ClinVar (database versions not stated): gnomAD exomes 0.00002 and 0.00009; TOPMed 0.00003; gnomAD 0.00006.
gnomAD v4.1: 145 of 1,614,058 alleles (0.009%); highest among the groups gnomAD compares: Non-Finnish European, 0.011%; no homozygotes.

Submissions (6):

Labcorp Genetics (formerly Invitae), Labcorp
Classification: Uncertain significance for Fanconi anemia. Last evaluated: 2024-12-12. Review status: criteria provided, single submitter. Criteria: Invitae Variant Classification Sherloc (09022015). Collection method: clinical testing. Allele origin: germline.
Comment: This sequence change replaces leucine, which is neutral and non-polar, with proline, which is neutral and non-polar, at codon 536 of the FANCC protein (p.Leu536Pro). This variant is present in population databases (rs587779903, gnomAD 0.004%). This variant has not been reported in the literature in individuals affected with FANCC-related conditions. ClinVar contains an entry for this variant (Variation ID: 127536). Invitae Evidence Modeling of protein sequence and biophysical properties (such as structural, functional, and spatial information, amino acid conservation, physicochemical variation, residue mobility, and thermodynamic stability) indicates that this missense variant is not expected to disrupt FANCC protein function with a negative predictive value of 80%. In summary, the available evidence is currently insufficient to determine the role of this variant in disease. Therefore, it has been classified as a Variant of Uncertain Significance.

Ambry Genetics
Classification: Uncertain significance for Hereditary cancer-predisposing syndrome. Last evaluated: 2024-10-11. Review status: criteria provided, single submitter. Criteria: Ambry Variant Classification Scheme 2023. Collection method: clinical testing. Allele origin: germline.
Comment: The p.L536P variant (also known as c.1607T>C), located in coding exon 14 of the FANCC gene, results from a T to C substitution at nucleotide position 1607. The leucine at codon 536 is replaced by proline, an amino acid with similar properties. This variant was observed in 1/3251 individuals who met eligibility criteria for hereditary breast and ovarian cancer syndrome (Lerner-Ellis J et al. J Cancer Res Clin Oncol, 2021 Mar;147:871-879). This amino acid position is well conserved in available vertebrate species. In addition, this alteration is predicted to be tolerated by in silico analysis. Based on the available evidence, the clinical significance of this variant remains unclear.

Fulgent Genetics
Classification: Uncertain significance for Fanconi anemia complementation group C. Last evaluated: 2024-01-17. Review status: criteria provided, single submitter. Criteria: ACMG Guidelines, 2015. Collection method: clinical testing. Allele origin: germline.

GeneDx
Classification: Uncertain significance. Last evaluated: 2023-11-30. Review status: criteria provided, single submitter. Criteria: GeneDx Variant Classification Process June 2021. Collection method: clinical testing. Allele origin: germline. Affected: yes.
Comment: Not observed at significant frequency in large population cohorts (gnomAD); In silico analysis supports that this missense variant does not alter protein structure/function; Has not been previously published as pathogenic or benign to our knowledge; This variant is associated with the following publications: (PMID: Gordon2000[Book])

Natera, Inc.
Classification: Uncertain significance for Fanconi anemia. Last evaluated: 2018-08-14. Review status: no assertion criteria provided. Collection method: clinical testing. Allele origin: germline. Not counted in ClinVar's aggregate classification.

Department of Pathology and Laboratory Medicine, Sinai Health System
Classification: Uncertain significance for Malignant tumor of breast. Review status: no assertion criteria provided. Collection method: clinical testing. Allele origin: unknown. Affected: yes. Observed: 1 variant allele. Study: The Canadian Open Genetics Repository (COGR). Not counted in ClinVar's aggregate classification.
Comment: The FANCC p.Leu536Pro variant was not identified in the literature nor was it identified in the Cosmic, MutDB and LOVD 3.0 databases. The variant was identified in dbSNP (ID: rs587779903) as â€šÃ„ÃºWith Uncertain significance alleleâ€šÃ„Ã¹, ClinVar and Clinvitae (1x as uncertain significance by GeneDx) databases. The variant was identified in control databases in 7 of 277192 chromosomes at a frequency of 0.000025 (Genome Aggregation Database Feb 27, 2017). It was observed in the following populations: African in 1 of 24026 chromosomes (freq: 0.000042), â€šÃ„ÃºOtherâ€šÃ„Ã¹ in 1 of 6468 chromosomes (freq: 0.00015), European Non-Finnish in 5 of 126694 chromosomes (freq: 0.00004); it was not observed in the Latino, Ashkenazi Jewish, East Asian, European Finnish, and South Asian populations. The p.Leu536Pro residue is conserved in mammals and computational analyses (PolyPhen-2, SIFT, AlignGVGD, BLOSUM, MutationTaster) provide inconsistent predictions regarding the impact to the protein; this information is not very predictive of pathogenicity. The variant occurs outside of the splicing consensus sequence and in silico or computational prediction software programs (SpliceSiteFinder, MaxEntScan, NNSPLICE, GeneSplicer, HumanSpliceFinder) do not predict a difference in splicing. In summary, based on the above information the clinical significance of this variant cannot be determined with certainty at this time. This variant is classified as a variant of uncertain significance.

Literature cited by the submitters: PubMed 32885271 (cited by Ambry Genetics).